The following is an entry in ClinVar:

NM_004972.4(JAK2):c.1796G>C (p.Ser599Thr)

Genes: INSL6 (insulin like 6; minus strand), JAK2 (Janus kinase 2; plus strand). Cytogenetic location: 9p24.1.
Variant type: single nucleotide variant.
Coding change: c.1796G>C on transcript NM_004972.4 (MANE Select); coding-DNA position 1796, G replaced by C.
Protein change: p.Ser599Thr; replaces serine 599 with threonine.
Molecular consequence: missense variant. On other transcripts: non-coding transcript variant (2).
Genome position (GRCh38, 1-based): chr9:5,073,717, G>C. VCF-style: chr9-5073717-G-C. GRCh37 (hg19) VCF-style: chr9-5073717-G-C.
Other names: c.1796G>C, p.Ser599Thr (NM_001322194.2, NM_001322195.2, NM_001322196.2); c.581G>C, p.Ser194Thr (NM_001322198.2, NM_001322199.2); c.1349G>C, p.Ser450Thr (NM_001322204.2); short protein forms S450T, S599T, S194T.
Identifiers: ClinVar variation 4768903 (VCV004768903.1).

ClinVar aggregate classification (germline): Uncertain significance (1 of 4 stars; one submission).

Submission:

Labcorp Genetics (formerly Invitae), Labcorp
Classification: Uncertain significance. Last evaluated: 2025-12-21. Review status: criteria provided, single submitter. Criteria: Invitae Variant Classification Sherloc (09022015). Collection method: clinical testing. Allele origin: germline.
Comment: This sequence change replaces serine, which is neutral and polar, with threonine, which is neutral and polar, at codon 599 of the JAK2 protein (p.Ser599Thr). This variant is not present in population databases (gnomAD no frequency). This variant has not been reported in the literature in individuals affected with JAK2-related conditions. Invitae Evidence Modeling of protein sequence and biophysical properties (such as structural, functional, and spatial information, amino acid conservation, physicochemical variation, residue mobility, and thermodynamic stability) indicates that this missense variant is expected to disrupt JAK2 protein function with a positive predictive value of 80%. In summary, the available evidence is currently insufficient to determine the role of this variant in disease. Therefore, it has been classified as a Variant of Uncertain Significance.